The following is an entry in ClinVar:

ClinVar aggregate classification (germline): Uncertain significance (1 of 4 stars; one submission).

Conditions:
Hypertrophic cardiomyopathy. Also called: HYPERTROPHIC MYOCARDIOPATHY. Identifiers: Orphanet 217569, MedGen C0007194, MeSH D002312, MONDO:0005045, HP:0001639.

Submission:

Labcorp Genetics (formerly Invitae), Labcorp
Classification: Uncertain significance for Hypertrophic cardiomyopathy. Last evaluated: 2022-02-19. Review status: criteria provided, single submitter. Criteria: Invitae Variant Classification Sherloc (09022015). Collection method: clinical testing. Allele origin: germline.
Comment: In summary, the available evidence is currently insufficient to determine the role of this variant in disease. Therefore, it has been classified as a Variant of Uncertain Significance. Experimental studies and prediction algorithms are not available or were not evaluated, and the functional significance of this variant is currently unknown. This variant has not been reported in the literature in individuals affected with MYOM1-related conditions. This variant is not present in population databases (gnomAD no frequency). This variant, c.42_62dup, results in the insertion of 7 amino acid(s) of the MYOM1 protein (p.Leu15_Asp21dup), but otherwise preserves the integrity of the reading frame.

NM_003803.4(MYOM1):c.42_62dup (p.Asp21_Val22insLeuSerTyrArgAsnLysAsp)

Gene: MYOM1 (myomesin 1; minus strand). Cytogenetic location: 18p11.31.
Variant type: Duplication.
Coding change: c.42_62dup on transcript NM_003803.4 (MANE Select); coding-DNA positions 42 to 62, 21 bases duplicated (TCTCAGCTACCGCAACAAGGA).
Protein change: p.Asp21_Val22insLeuSerTyrArgAsnLysAsp.
Molecular consequence: inframe insertion.
Genome position (GRCh38, 1-based): chr18:3,215,162-3,215,182, TCCTTGTTGCGGTAGCTGAGA duplicated on the plus strand (TCTCAGCTACCGCAACAAGGA on the coding strand, the reverse complement: MYOM1 is on the minus strand); duplicating any 21 consecutive bases within chr18:3,215,162-3,215,184 gives the same sequence; the c. name uses the placement nearest the transcript's 3' end. VCF-style (leftmost placement, unchanged base first): chr18-3215161-G-GTCCTTGTTGCGGTAGCTGAGA. GRCh37 (hg19) VCF-style: chr18-3215159-G-GTCCTTGTTGCGGTAGCTGAGA.
Other names: c.42_62dup, p.Asp21_Val22insLeuSerTyrArgAsnLysAsp (NM_019856.2).
Identifiers: ClinVar variation 1907210 (VCV001907210.5), dbSNP rs2510751278, ClinGen allele CA2580095434.
Genomic context (GRCh38, chr18:3,215,161, plus strand): 5'-CTGGGTGTAGACGGCGGAGCGTTTCTTCTCCCGCTGGTAGTGACTCACGGTGCTGCGCAC[G>GTCCTTGTTGCGGTAGCTGAGA]TCCTTGTTGCGGTAGCTGAGATCATAGTGCTGGTGGCACCTCTGATAAAAAGGCAAAGAC-3'